The following is an entry in ClinVar:

NM_001164508.2(NEB):c.8851C>G (p.Gln2951Glu)

Gene: NEB (nebulin; minus strand). Cytogenetic location: 2q23.3.
Variant type: single nucleotide variant.
Coding change: c.8851C>G on transcript NM_001164508.2 (MANE Select); coding-DNA position 8851, C replaced by G.
Protein change: p.Gln2951Glu; replaces glutamine 2951 with glutamic acid.
Molecular consequence: missense variant.
Genome position (GRCh38, 1-based): chr2:151,639,895, G>C on the plus strand (C>G on the coding strand, the complement: NEB is on the minus strand). VCF-style: chr2-151639895-G-C. GRCh37 (hg19) VCF-style: chr2-152496409-G-C.
Other names: c.8851C>G, p.Gln2951Glu (NM_001164507.2, NM_001271208.2, NM_004543.5); short protein forms Q2951E.
Identifiers: ClinVar variation 1354735 (VCV001354735.8), dbSNP rs2154103068, ClinGen allele CA348809131.

ClinVar aggregate classification (germline): Uncertain significance (1 of 4 stars; one submission).

Conditions:
Nemaline myopathy 2 (NEM2). Also called: Nemaline myopathy 2, autosomal recessive. Identifiers: MedGen C1850569, MONDO:0009725, OMIM 256030.

Submission:

Labcorp Genetics (formerly Invitae), Labcorp
Classification: Uncertain significance for Nemaline myopathy 2. Last evaluated: 2022-06-20. Review status: criteria provided, single submitter. Criteria: Invitae Variant Classification Sherloc (09022015). Collection method: clinical testing. Allele origin: germline.
Comment: In summary, the available evidence is currently insufficient to determine the role of this variant in disease. Therefore, it has been classified as a Variant of Uncertain Significance. Algorithms developed to predict the effect of sequence changes on RNA splicing suggest that this variant may create or strengthen a splice site. Algorithms developed to predict the effect of missense changes on protein structure and function are either unavailable or do not agree on the potential impact of this missense change (SIFT: "Deleterious"; PolyPhen-2: "Not Available"; Align-GVGD: "Class C0"). This variant has not been reported in the literature in individuals affected with NEB-related conditions. This variant is not present in population databases (gnomAD no frequency). This sequence change replaces glutamine, which is neutral and polar, with glutamic acid, which is acidic and polar, at codon 2951 of the NEB protein (p.Gln2951Glu).